The following is an entry in ClinVar:

ClinVar aggregate classification (germline): Benign (1 of 4 stars; one submission).

Allele frequency attached by ClinVar (database versions not stated): 1000 Genomes Project 0.14477; 1000 Genomes Project 30x 0.14819; gnomAD 0.15038 and 0.15236; TOPMed 0.15220.
gnomAD v4.1: 22,781 of 152,204 alleles (15%); highest among the groups gnomAD compares: African/African-American, 22%; 1,791 homozygotes.

Submission:

GeneDx
Classification: Benign. Last evaluated: 2018-06-14. Review status: criteria provided, single submitter. Criteria: GeneDx Variant Classification (06012015). Collection method: clinical testing. Allele origin: germline. Affected: yes.
Comment: This variant is considered likely benign or benign based on one or more of the following criteria: it is a conservative change, it occurs at a poorly conserved position in the protein, it is predicted to be benign by multiple in silico algorithms, and/or has population frequency not consistent with disease.

NM_000814.6(GABRB3):c.241-7844G>A

Gene: GABRB3 (gamma-aminobutyric acid type A receptor subunit beta3; minus strand). Cytogenetic location: 15q12.
Variant type: single nucleotide variant.
Coding change: c.241-7844G>A on transcript NM_000814.6 (MANE Select); 7844 bases into the intron before coding-DNA position 241, G replaced by A.
Molecular consequence: intron variant.
Genome position (GRCh38, 1-based): chr15:26,629,378, C>T on the plus strand (G>A on the coding strand, the complement: GABRB3 is on the minus strand). VCF-style: chr15-26629378-C-T. GRCh37 (hg19) VCF-style: chr15-26874525-C-T.
Other names: c.241-7844G>A (NM_021912.5); c.-15-7844G>A (NM_001278631.2, NM_001191320.2).
Identifiers: ClinVar variation 669404 (VCV000669404.1), dbSNP rs74004622, ClinGen allele CA14157215.